The following is an entry in ClinVar:

ClinVar aggregate classification (germline): Uncertain significance (1 of 4 stars; one submission).

Submission:

Labcorp Genetics (formerly Invitae), Labcorp
Classification: Uncertain significance. Last evaluated: 2022-10-26. Review status: criteria provided, single submitter. Criteria: Invitae Variant Classification Sherloc (09022015). Collection method: clinical testing. Allele origin: germline.
Comment: In summary, the available evidence is currently insufficient to determine the role of this variant in disease. Therefore, it has been classified as a Variant of Uncertain Significance. Advanced modeling of protein sequence and biophysical properties (such as structural, functional, and spatial information, amino acid conservation, physicochemical variation, residue mobility, and thermodynamic stability) performed at Invitae indicates that this missense variant is expected to disrupt AFG3L2 protein function. This variant has not been reported in the literature in individuals affected with AFG3L2-related conditions. This variant is not present in population databases (gnomAD no frequency). This sequence change replaces threonine, which is neutral and polar, with asparagine, which is neutral and polar, at codon 654 of the AFG3L2 protein (p.Thr654Asn).

NM_006796.3(AFG3L2):c.1961C>A (p.Thr654Asn)

Gene: AFG3L2 (AFG3 like matrix AAA peptidase subunit 2; minus strand). Cytogenetic location: 18p11.21.
Variant type: single nucleotide variant.
Coding change: c.1961C>A on transcript NM_006796.3 (MANE Select); coding-DNA position 1961, C replaced by A.
Protein change: p.Thr654Asn; replaces threonine 654 with asparagine.
Molecular consequence: missense variant.
Genome position (GRCh38, 1-based): chr18:12,340,220, G>T on the plus strand (C>A on the coding strand, the complement: AFG3L2 is on the minus strand). VCF-style: chr18-12340220-G-T. GRCh37 (hg19) VCF-style: chr18-12340219-G-T.
Other names: short protein forms T654N.
Identifiers: ClinVar variation 1998450 (VCV001998450.4), dbSNP rs151344513, ClinGen allele CA401946534.